The following is an entry in ClinVar:

NM_015512.5(DNAH1):c.6983T>G (p.Ile2328Ser)

Gene: DNAH1 (dynein axonemal heavy chain 1; plus strand). Cytogenetic location: 3p21.1.
Variant type: single nucleotide variant.
Coding change: c.6983T>G on transcript NM_015512.5 (MANE Select); coding-DNA position 6983, T replaced by G.
Protein change: p.Ile2328Ser; replaces isoleucine 2328 with serine.
Molecular consequence: missense variant.
Genome position (GRCh38, 1-based): chr3:52,373,051, T>G. VCF-style: chr3-52373051-T-G. GRCh37 (hg19) VCF-style: chr3-52407067-T-G.
Other names: short protein forms I2328S.
Identifiers: ClinVar variation 3761899 (VCV003761899.2).

ClinVar aggregate classification (germline): Uncertain significance (1 of 4 stars; one submission).

Conditions:
Spermatogenic failure 18. Identifiers: MedGen C4539783, MONDO:0054615, OMIM 617576.
Ciliary dyskinesia, primary, 37 (CILD37). Also called: CILIARY DYSKINESIA, PRIMARY, 37, WITH OR WITHOUT SITUS INVERSUS. Identifiers: MedGen C4539798, MONDO:0033204, OMIM 617577.

gnomAD v4.1: 11 of 1,609,760 alleles (0.00068%); highest among the groups gnomAD compares: South Asian, 0.012%; no homozygotes.

Submission:

Labcorp Genetics (formerly Invitae), Labcorp
Classification: Uncertain significance for Ciliary dyskinesia, primary, 37; Spermatogenic failure 18. Last evaluated: 2024-05-29. Review status: criteria provided, single submitter. Criteria: Invitae Variant Classification Sherloc (09022015). Collection method: clinical testing. Allele origin: germline.
Comment: This sequence change replaces isoleucine, which is neutral and non-polar, with serine, which is neutral and polar, at codon 2328 of the DNAH1 protein (p.Ile2328Ser). This variant is present in population databases (rs370646177, gnomAD 0.01%). This variant has not been reported in the literature in individuals affected with DNAH1-related conditions. An algorithm developed to predict the effect of missense changes on protein structure and function (PolyPhen-2) suggests that this variant is likely to be tolerated. In summary, the available evidence is currently insufficient to determine the role of this variant in disease. Therefore, it has been classified as a Variant of Uncertain Significance.